The following is an entry in ClinVar:

ClinVar aggregate classification (germline): Uncertain significance. Review status: criteria provided, multiple submitters, no conflicts (2 of 4 stars). 2 submissions from 2 submitters: Uncertain significance (2). Last evaluated 2022-04-06.

Conditions:
Inborn genetic diseases. Identifiers: MedGen C0950123, MeSH D030342.

Allele frequency attached by ClinVar (database versions not stated): TOPMed below 0.00001.

Submissions (2):

Ambry Genetics
Classification: Uncertain significance for Inborn genetic diseases. Last evaluated: 2022-04-06. Review status: criteria provided, single submitter. Criteria: Ambry Variant Classification Scheme 2023. Collection method: clinical testing. Allele origin: germline.

GeneDx
Classification: Uncertain significance. Last evaluated: 2017-04-12. Review status: criteria provided, single submitter. Criteria: GeneDx Variant Classification (06012015). Collection method: clinical testing. Allele origin: germline. Affected: yes.
Comment: The M170L variant in the EIF2B gene has not been reported previously as a pathogenic variant, nor as a benign variant, to our knowledge. The M170L is not observed in large population cohorts (Lek et al., 2016; 1000 Genomes Consortium et al., 2015; Exome Variant Server). The M170L variant is a conservative amino acid substitution, which is not likely to impact secondary protein structure as these residues share similar properties. This substitution occurs at a position that is conserved across species. In silico analysis is inconsistent in its predictions as to whether or not the variant is damaging to the protein structure/function. We interpret M170L as a variant of uncertain significance.

NM_020365.5(EIF2B3):c.508A>C (p.Met170Leu)

Gene: EIF2B3 (eukaryotic translation initiation factor 2B subunit gamma; minus strand). Cytogenetic location: 1p34.1.
Variant type: single nucleotide variant.
Coding change: c.508A>C on transcript NM_020365.5 (MANE Select); coding-DNA position 508, A replaced by C.
Protein change: p.Met170Leu; replaces methionine 170 with leucine.
Molecular consequence: missense variant.
Genome position (GRCh38, 1-based): chr1:44,926,686, T>G on the plus strand (A>C on the coding strand, the complement: EIF2B3 is on the minus strand). VCF-style: chr1-44926686-T-G. GRCh37 (hg19) VCF-style: chr1-45392358-T-G.
Other names: c.508A>C, p.Met170Leu (NM_001166588.3, NM_001261418.2); c.508A>C (NM_020365.3); short protein forms M170L.
Identifiers: ClinVar variation 426554 (VCV000426554.4), dbSNP rs1085307682, ClinGen allele CA340104387.
Genomic context (GRCh38, chr1:44,926,686, plus strand): 5'-ACTTCTGTAGGATGGATCCCTTAATGACCAGCTCTTCATCCAAGTCTGCTTCATTAGCCA[T>G]GAAGAGCAGCCTCTTTCCTGTGCTGTCCACTCCAATGAAGTCACGCTGCTCCACTGAATC-3'
Protein context (NP_065098.1, residues 160-180): VDSTGKRLLF[Met170Leu]ANEADLDEEL